The following is an entry in ClinVar:

NM_000326.5(RLBP1):c.779G>A (p.Ser260Asn)

Gene: RLBP1 (retinaldehyde binding protein 1; minus strand). Cytogenetic location: 15q26.1.
Variant type: single nucleotide variant.
Coding change: c.779G>A on transcript NM_000326.5 (MANE Select); coding-DNA position 779, G replaced by A.
Protein change: p.Ser260Asn; replaces serine 260 with asparagine.
Molecular consequence: missense variant.
Genome position (GRCh38, 1-based): chr15:89,210,715, C>T on the plus strand (G>A on the coding strand, the complement: RLBP1 is on the minus strand). VCF-style: chr15-89210715-C-T. GRCh37 (hg19) VCF-style: chr15-89753946-C-T.
Other names: short protein forms S260N.
Identifiers: ClinVar variation 1362281 (VCV001362281.5), dbSNP rs774546810, ClinGen allele CA393728734.

ClinVar aggregate classification (germline): Uncertain significance (1 of 4 stars; one submission).

Allele frequency attached by ClinVar (database versions not stated): gnomAD 0.00001.

Submission:

Labcorp Genetics (formerly Invitae), Labcorp
Classification: Uncertain significance. Last evaluated: 2022-08-09. Review status: criteria provided, single submitter. Criteria: Invitae Variant Classification Sherloc (09022015). Collection method: clinical testing. Allele origin: germline.
Comment: This sequence change replaces serine, which is neutral and polar, with asparagine, which is neutral and polar, at codon 260 of the RLBP1 protein (p.Ser260Asn). This variant is present in population databases (no rsID available, gnomAD 0.007%). This variant has not been reported in the literature in individuals affected with RLBP1-related conditions. ClinVar contains an entry for this variant (Variation ID: 1362281). Algorithms developed to predict the effect of missense changes on protein structure and function output the following: SIFT: "Tolerated"; PolyPhen-2: "Benign"; Align-GVGD: "Class C0". The asparagine amino acid residue is found in multiple mammalian species, which suggests that this missense change does not adversely affect protein function. In summary, the available evidence is currently insufficient to determine the role of this variant in disease. Therefore, it has been classified as a Variant of Uncertain Significance.